The following is an entry in ClinVar:

ClinVar aggregate classification (germline): Pathogenic (1 of 4 stars; one submission).

Submission:

Labcorp Genetics (formerly Invitae), Labcorp
Classification: Pathogenic. Last evaluated: 2023-02-16. Review status: criteria provided, single submitter. Criteria: Invitae Variant Classification Sherloc (09022015). Collection method: clinical testing. Allele origin: germline.
Comment: This sequence change creates a premature translational stop signal (p.Met619Trpfs*154) in the ATP2B2 gene. It is expected to result in an absent or disrupted protein product. Loss-of-function variants in ATP2B2 are known to be pathogenic (PMID: 30535804). This variant is not present in population databases (gnomAD no frequency). This variant has not been reported in the literature in individuals affected with ATP2B2-related conditions. For these reasons, this variant has been classified as Pathogenic.

Literature cited by the submitters: PubMed 30535804.

NM_001001331.4(ATP2B2):c.1989del (p.Met664fs)

Gene: ATP2B2 (ATPase plasma membrane Ca2+ transporting 2; minus strand). Cytogenetic location: 3p25.3.
Variant type: Deletion.
Coding change: c.1989del on transcript NM_001001331.4 (MANE Select); coding-DNA position 1989, one base deleted (C; older notation c.1989delC).
Protein change: p.Met664fs; shifts the reading frame from methionine 664.
Molecular consequence: frameshift variant.
Genome position (GRCh38, 1-based): chr3:10,358,838, G deleted on the plus strand (C on the coding strand, the reverse complement: ATP2B2 is on the minus strand); the first of 3 consecutive G bases (chr3:10,358,838-10,358,840); deleting any one gives the same sequence. VCF-style (leftmost placement, unchanged base first): chr3-10358837-TG-T. GRCh37 (hg19) VCF-style: chr3-10400521-TG-T.
Other names: c.1854del, p.Met619fs (NM_001330611.3, NM_001353564.1, NM_001363862.1 and 1 more transcripts); short protein forms M619fs, M664fs.
Identifiers: ClinVar variation 2816938 (VCV002816938.3), dbSNP rs2470282013, ClinGen allele CA2739279620.